The following is an entry in ClinVar:

ClinVar aggregate classification (germline): Likely benign. Review status: criteria provided, multiple submitters, no conflicts (2 of 4 stars). 2 submissions from 2 submitters: Likely benign (2). Last evaluated 2025-06-27.

Conditions:
Microcephaly, normal intelligence and immunodeficiency (NBS). Also called: BERLIN BREAKAGE SYNDROME; Immunodeficiency, microcephaly with normal intelligence; Nijmegen breakage syndrome; Microcephaly with normal intelligence immunodeficiency and lymphoreticular malignancies; Nonsyndromal microcephaly autosomal recessive with normal intelligence; Seemanova syndrome 2. Identifiers: Orphanet 647, MedGen C0398791, MONDO:0009623, OMIM 251260.

Allele frequency attached by ClinVar (database versions not stated): gnomAD exomes below 0.00001; gnomAD 0.00001; TOPMed 0.00001.
gnomAD v4.1: 7 of 1,609,606 alleles (0.00043%); highest among the groups gnomAD compares: Admixed American, 0.0017%; no homozygotes.

Submissions (2):

Labcorp Genetics (formerly Invitae), Labcorp
Classification: Likely benign for Microcephaly, normal intelligence and immunodeficiency. Last evaluated: 2025-06-27. Review status: criteria provided, single submitter. Criteria: Invitae Variant Classification Sherloc (09022015). Collection method: clinical testing. Allele origin: germline.

GeneDx
Classification: Likely benign. Last evaluated: 2016-03-17. Review status: criteria provided, single submitter. Criteria: GeneDx Variant Classification (06012015). Collection method: clinical testing. Allele origin: germline. Affected: yes.
Comment: This variant is considered likely benign or benign based on one or more of the following criteria: it is a conservative change, it occurs at a poorly conserved position in the protein, it is predicted to be benign by multiple in silico algorithms, and/or has population frequency not consistent with disease.

NM_002485.5(NBN):c.171+12A>G

Gene: NBN (nibrin; minus strand). Cytogenetic location: 8q21.3.
Variant type: single nucleotide variant.
Coding change: c.171+12A>G on transcript NM_002485.5 (MANE Select); 12 bases into the intron after coding-DNA position 171, A replaced by G.
Molecular consequence: intron variant.
Genome position (GRCh38, 1-based): chr8:89,982,710, T>C on the plus strand (A>G on the coding strand, the complement: NBN is on the minus strand). VCF-style: chr8-89982710-T-C. GRCh37 (hg19) VCF-style: chr8-90994938-T-C.
Other names: c.-126+12A>G (NM_001024688.3).
Identifiers: ClinVar variation 384917 (VCV000384917.8), dbSNP rs922134221, ClinGen allele CA16605273.
Genomic context (GRCh38, chr8:89,982,710, plus strand): 5'-TACAAACCAAGAGAATATTTTGTGATTTCAACCCCCTTACTGGAAACTAGTGAAATAAAA[T>C]TAGTAACATACCAGGTTGGTTACAGAAAAGTTAGCAGTTAACACAGCATGATTTCGGCTG-3'